The following is an entry in ClinVar:

NM_006506.5(RASA2):c.1020+5G>A

Gene: RASA2 (RAS p21 protein activator 2; plus strand). Cytogenetic location: 3q23.
Variant type: single nucleotide variant.
Coding change: c.1020+5G>A on transcript NM_006506.5 (MANE Select); 5 bases into the intron after coding-DNA position 1020, G replaced by A.
Molecular consequence: intron variant.
Genome position (GRCh38, 1-based): chr3:141,571,073, G>A. VCF-style: chr3-141571073-G-A. GRCh37 (hg19) VCF-style: chr3-141289915-G-A.
Other names: c.1020+5G>A (NM_001303245.3, NM_001303246.3).
Identifiers: ClinVar variation 3699533 (VCV003699533.2).

ClinVar aggregate classification (germline): Uncertain significance (1 of 4 stars; one submission).

gnomAD v4.1: 1 of 1,592,120 alleles (0.000063%); highest among the groups gnomAD compares: African/African-American, 0.0014%; no homozygotes.

Submission:

Labcorp Genetics (formerly Invitae), Labcorp
Classification: Uncertain significance. Last evaluated: 2024-05-21. Review status: criteria provided, single submitter. Criteria: Invitae Variant Classification Sherloc (09022015). Collection method: clinical testing. Allele origin: germline.
Comment: This sequence change falls in intron 10 of the RASA2 gene. It does not directly change the encoded amino acid sequence of the RASA2 protein. It affects a nucleotide within the consensus splice site. This variant is not present in population databases (gnomAD no frequency). This variant has not been reported in the literature in individuals affected with RASA2-related conditions. Variants that disrupt the consensus splice site are a relatively common cause of aberrant splicing (PMID: 17576681, 9536098). Algorithms developed to predict the effect of sequence changes on RNA splicing suggest that this variant may disrupt the consensus splice site. In summary, the available evidence is currently insufficient to determine the role of this variant in disease. Therefore, it has been classified as a Variant of Uncertain Significance.

Literature cited by the submitters: PubMed 17576681; PubMed 9536098.